The following is an entry in ClinVar:

ClinVar aggregate classification (germline): Pathogenic/Likely pathogenic. Review status: criteria provided, multiple submitters, no conflicts (2 of 4 stars). 2 submissions from 2 submitters: Pathogenic (1); Likely pathogenic (1). Last evaluated 2023-04-22.

Conditions:
Combined malonic and methylmalonic acidemia. Identifiers: Orphanet 289504, MedGen C3280314, MONDO:0013661, OMIM 614265.

Submissions (2):

Baylor Genetics
Classification: Likely pathogenic for Combined malonic and methylmalonic acidemia. Last evaluated: 2023-04-22. Review status: criteria provided, single submitter. Criteria: ACMG Guidelines, 2015. Collection method: clinical testing. Allele origin: unknown.

Labcorp Genetics (formerly Invitae), Labcorp
Classification: Pathogenic for Combined malonic and methylmalonic acidemia. Last evaluated: 2022-03-12. Review status: criteria provided, single submitter. Criteria: Invitae Variant Classification Sherloc (09022015). Collection method: clinical testing. Allele origin: germline.
Comment: This variant has not been reported in the literature in individuals affected with ACSF3-related conditions. For these reasons, this variant has been classified as Pathogenic. ClinVar contains an entry for this variant (Variation ID: 1074603). This sequence change creates a premature translational stop signal (p.Ala52Glyfs*64) in the ACSF3 gene. It is expected to result in an absent or disrupted protein product. Loss-of-function variants in ACSF3 are known to be pathogenic (PMID: 21841779, 26827111). This variant is present in population databases (rs745684193, gnomAD 0.006%).

Literature cited by the submitters: PubMed 21841779 (cited by Labcorp Genetics (formerly Invitae), Labcorp); PubMed 26827111 (cited by Labcorp Genetics (formerly Invitae), Labcorp).

NM_001243279.3(ACSF3):c.155_161del (p.Ala52fs)

Gene: ACSF3 (acyl-CoA synthetase family member 3; plus strand). Cytogenetic location: 16q24.3.
Variant type: Deletion.
Coding change: c.155_161del on transcript NM_001243279.3 (MANE Select); coding-DNA positions 155 to 161, 7 bases deleted (CCTTTGG; older notation c.155_161delCCTTTGG).
Protein change: p.Ala52fs; shifts the reading frame from alanine 52.
Molecular consequence: frameshift variant. On other transcripts: non-coding transcript variant (3), intron variant (1).
Genome position (GRCh38, 1-based): chr16:89,100,836-89,100,842, CCTTTGG deleted; deleting any 7 consecutive bases within chr16:89,100,833-89,100,842 gives the same sequence; the c. name uses the placement nearest the transcript's 3' end. VCF-style (leftmost placement, unchanged base first): chr16-89100832-CTGGCCTT-C. GRCh37 (hg19) VCF-style: chr16-89167240-CTGGCCTT-C.
Other names: c.155_161del, p.Ala52fs (NM_001127214.4, NM_174917.5); c.-129-1768_-129-1762del (NM_001284316.2); short protein forms A52fs.
Identifiers: ClinVar variation 1074603 (VCV001074603.8), dbSNP rs745684193, ClinGen allele CA8237559.